The following is an entry in ClinVar:

NM_002471.4(MYH6):c.358C>T (p.Leu120Phe)

Genes: MYH6 (myosin heavy chain 6; minus strand), LOC114827851 (VISTA enhancer hs2155; plus strand). Cytogenetic location: 14q11.2.
Variant type: single nucleotide variant.
Coding change: c.358C>T on transcript NM_002471.4 (MANE Select); coding-DNA position 358, C replaced by T.
Protein change: p.Leu120Phe; replaces leucine 120 with phenylalanine.
Molecular consequence: missense variant.
Genome position (GRCh38, 1-based): chr14:23,405,367, G>A on the plus strand (C>T on the coding strand, the complement: MYH6 is on the minus strand). VCF-style: chr14-23405367-G-A. GRCh37 (hg19) VCF-style: chr14-23874576-G-A.
Other names: short protein forms L120F.
Identifiers: ClinVar variation 2722185 (VCV002722185.3), dbSNP rs769074801, ClinGen allele CA389031236.

ClinVar aggregate classification (germline): Uncertain significance (1 of 4 stars; one submission).

Conditions:
Hypertrophic cardiomyopathy 14. Identifiers: MedGen C2750467, MONDO:0013197, OMIM 613251.

Submission:

Labcorp Genetics (formerly Invitae), Labcorp
Classification: Uncertain significance for Hypertrophic cardiomyopathy 14. Last evaluated: 2024-07-09. Review status: criteria provided, single submitter. Criteria: Invitae Variant Classification Sherloc (09022015). Collection method: clinical testing. Allele origin: germline.
Comment: This sequence change replaces leucine, which is neutral and non-polar, with phenylalanine, which is neutral and non-polar, at codon 120 of the MYH6 protein (p.Leu120Phe). This variant is not present in population databases (gnomAD no frequency). This variant has not been reported in the literature in individuals affected with MYH6-related conditions. Advanced modeling of protein sequence and biophysical properties (such as structural, functional, and spatial information, amino acid conservation, physicochemical variation, residue mobility, and thermodynamic stability) performed at Invitae indicates that this missense variant is expected to disrupt MYH6 protein function with a positive predictive value of 80%. In summary, the available evidence is currently insufficient to determine the role of this variant in disease. Therefore, it has been classified as a Variant of Uncertain Significance.